The following is an entry in ClinVar:

NM_002016.2(FLG):c.7358C>G (p.Ser2453Ter)

Genes: CCDST (cervical cancer associated DHX9 suppressive transcript; plus strand), FLG (filaggrin; minus strand). Cytogenetic location: 1q21.3.
Variant type: single nucleotide variant.
Coding change: c.7358C>G on transcript NM_002016.2 (MANE Select); coding-DNA position 7358, C replaced by G.
Protein change: p.Ser2453Ter; replaces serine 2453 with a stop codon.
Molecular consequence: nonsense.
Genome position (GRCh38, 1-based): chr1:152,307,528, G>C on the plus strand (C>G on the coding strand, the complement: FLG is on the minus strand). VCF-style: chr1-152307528-G-C. GRCh37 (hg19) VCF-style: chr1-152280004-G-C.
Other names: short protein forms S2453*.
Identifiers: ClinVar variation 546293 (VCV000546293.8), dbSNP rs1388479165, ClinGen allele CA342046942.

ClinVar aggregate classification (germline): Pathogenic (1 of 4 stars; one submission).

Allele frequency attached by ClinVar (database versions not stated): gnomAD 0.00002 and 0.00003; TOPMed 0.00006.
gnomAD v4.1: 27 of 1,613,600 alleles (0.0017%); highest among the groups gnomAD compares: Non-Finnish European, 0.0022%; no homozygotes.

Submission:

GeneDx
Classification: Pathogenic. Last evaluated: 2026-09-10. Review status: criteria provided, single submitter. Criteria: GeneDx Variant Classification Process June 2021. Collection method: clinical testing. Allele origin: germline.
Comment: Nonsense variant predicted to result in protein truncation, as the last 1609 amino acid(s) are lost, and other loss-of-function variants have been reported downstream in HGMD; Not observed at significant frequency in large population cohorts (gnomAD); Has not been previously published as pathogenic or benign to our knowledge; This variant is associated with the following publications: (PMID: 16444271)